The following is an entry in ClinVar:

ClinVar aggregate classification (germline): Pathogenic (1 of 4 stars; one submission).

Conditions:
Hereditary cancer-predisposing syndrome. Also called: Hereditary Cancer Syndrome; Hereditary neoplastic syndrome; Tumor predisposition; Neoplastic Syndromes, Hereditary. Identifiers: Orphanet 140162, MedGen C0027672, MeSH D009386, MONDO:0015356.
Cardiovascular phenotype. Identifiers: MedGen CN230736.

Submission:

Ambry Genetics
Classification: Pathogenic for Cardiovascular phenotype; Hereditary cancer-predisposing syndrome. Last evaluated: 2024-08-22. Review status: criteria provided, single submitter. Criteria: Ambry Variant Classification Scheme 2023. Collection method: clinical testing. Allele origin: germline.
Comment: The c.1877_1880dupTGGA pathogenic mutation, located in coding exon 16 of the LZTR1 gene, results from a duplication of TGGA at nucleotide position 1877, causing a translational frameshift with a predicted alternate stop codon (p.E627Dfs*43). This variant is considered to be rare based on population cohorts in the Genome Aggregation Database (gnomAD). Loss-of-function variants in LZTR1 are related to an increased risk for schwannomas and autosomal recessive Noonan syndrome; however, such associations with autosomal dominant Noonan syndrome have not been observed (Piotrowski A et al. Nat Genet. 2014 Feb;46:182-7; Yamamoto GL et al. J Med Genet. 2015 Jun;52:413-21; Johnston JJ et al. Genet Med. 2018 10;20:1175-1185). Based on the supporting evidence, this variant is pathogenic for an increased risk of LZTR1-related schwannomatosis (SWN) and would be expected to cause autosomal recessive Noonan syndrome when present along with a second pathogenic or likely pathogenic variant on the other allele; however, the association of this alteration with autosomal dominant Noonan syndrome is unlikely.

NM_006767.4(LZTR1):c.1877_1880dup (p.Glu627fs)

Gene: LZTR1 (leucine zipper like post translational regulator 1; plus strand). Cytogenetic location: 22q11.21.
Variant type: Duplication.
Coding change: c.1877_1880dup on transcript NM_006767.4 (MANE Select); coding-DNA positions 1877 to 1880, 4 bases duplicated (TGGA; older notation c.1877_1880dupTGGA).
Protein change: p.Glu627fs; shifts the reading frame from glutamic acid 627.
Molecular consequence: frameshift variant.
Genome position (GRCh38, 1-based): chr22:20,994,961-20,994,964, TGGA duplicated. VCF-style (leftmost placement, unchanged base first): chr22-20994960-G-GTGGA. GRCh37 (hg19) VCF-style: chr22-21349249-G-GTGGA.
Other names: short protein forms E627fs.
Identifiers: ClinVar variation 3541589 (VCV003541589.1).